The following is an entry in ClinVar:

NM_000179.3(MSH6):c.1371C>A (p.Ala457=)

Gene: MSH6 (mutS homolog 6; plus strand). Cytogenetic location: 2p16.3.
Variant type: single nucleotide variant.
Coding change: c.1371C>A on transcript NM_000179.3 (MANE Select); coding-DNA position 1371, C replaced by A.
Protein change: p.Ala457=; no amino-acid change (alanine 457 retained).
Molecular consequence: synonymous variant.
Genome position (GRCh38, 1-based): chr2:47,799,354, C>A. VCF-style: chr2-47799354-C-A. GRCh37 (hg19) VCF-style: chr2-48026493-C-A.
Other names: c.981C>A, p.Ala327= (NM_001281492.2); c.465C>A, p.Ala155= (NM_001281493.2, NM_001281494.2).
Identifiers: ClinVar variation 919512 (VCV000919512.5), dbSNP rs1349832206, ClinGen allele CA426121105.

ClinVar aggregate classification (germline): Benign/Likely benign. Review status: criteria provided, multiple submitters, no conflicts (2 of 4 stars). 4 submissions from 4 submitters: Benign (1); Likely benign (2). 1 of the submissions does not count toward it. Last evaluated 2024-12-26.

Conditions:
Lynch syndrome. Identifiers: Orphanet 144, MedGen C4552100, MONDO:0005835. Disease mechanism: loss of function.
Hereditary cancer-predisposing syndrome. Also called: Neoplastic Syndromes, Hereditary; Tumor predisposition; Hereditary Cancer Syndrome; Hereditary neoplastic syndrome. Identifiers: Orphanet 140162, MedGen C0027672, MeSH D009386, MONDO:0015356.
Lynch syndrome 5 (LYNCH5). Also called: Colorectal cancer, hereditary nonpolyposis, type 5; Hereditary non-polyposis colorectal cancer, type 5. Identifiers: Orphanet 144, MedGen C1833477, MONDO:0013710, OMIM 614350. Disease mechanism: loss of function.

Allele frequency attached by ClinVar (database versions not stated): gnomAD exomes below 0.00001.
gnomAD v4.1: 1 of 1,613,958 alleles (0.000062%); highest among the groups gnomAD compares: Non-Finnish European, 0.000085%; no homozygotes.

Submissions (4):

Myriad Genetics, Inc.
Classification: Benign for Lynch syndrome 5. Last evaluated: 2024-12-26. Review status: criteria provided, single submitter. Criteria: Myriad Autosomal Dominant, Autosomal Recessive and X-Linked Classification Criteria (2023). Collection method: clinical testing. Allele origin: unknown.
Comment: This variant is considered benign. This variant is a silent/synonymous amino acid change and it is not expected to impact splicing.

All of Us Research Program, National Institutes of Health
Classification: Likely benign for Lynch syndrome. Last evaluated: 2023-08-15. Review status: criteria provided, single submitter. Criteria: ACMG Guidelines, 2015. Collection method: clinical testing. Allele origin: germline. Inheritance: Autosomal dominant inheritance. Observed: 1 variant allele, 1 heterozygote.
Comment: This study involves interpretation of variants in research participants for the purpose of population health screening. Participant phenotype was not available at the time of variant classification. Additional details can be found in publication PMID: 35346344, PMCID: PMC8962531

Color Diagnostics, LLC DBA Color Health
Classification: Likely benign for Hereditary cancer-predisposing syndrome. Last evaluated: 2019-04-09. Review status: criteria provided, single submitter. Criteria: ACMG Guidelines, 2015. Collection method: clinical testing. Allele origin: germline.

Department of Pathology and Laboratory Medicine, Sinai Health System
Classification: Uncertain significance. Review status: no assertion criteria provided. Collection method: clinical testing. Allele origin: unknown. Affected: yes. Study: The Canadian Open Genetics Repository (COGR). Not counted in ClinVar's aggregate classification.
Comment: The MSH6 p.Ala457= variant was not identified in the literature nor was it identified in the following databases: dbSNP, ClinVar, COGR, Cosmic, MutDB, UMD-LSDB, Insight Colon Cancer Gene Variant Database, Zhejiang Colon Cancer Database, Mismatch Repair Genes Variant Database, Insight Hereditary Tumors Database, the 1000 Genomes Project, the NHLBI GO Exome Sequencing Project or the Exome Aggregation Consortium (August 8th 2016). The p.Ala457= variant is not expected to have clinical significance because it does not result in a change of amino acid and is not located in a known consensus splice site. In addition, in silico or computational prediction software programs (SpliceSiteFinder, MaxEntScan, NNSPLICE, GeneSplicer, HumanSpliceFinder) do not predict a difference in splicing. In summary, based on the above information the clinical significance of this variant cannot be determined with certainty at this time. This variant is classified as a variant of uncertain significance.